The following is an entry in ClinVar:

NM_004064.5(CDKN1B):c.137A>G (p.Glu46Gly)

Gene: CDKN1B (cyclin dependent kinase inhibitor 1B; plus strand). Cytogenetic location: 12p13.1.
Variant type: single nucleotide variant.
Coding change: c.137A>G on transcript NM_004064.5 (MANE Select); coding-DNA position 137, A replaced by G.
Protein change: p.Glu46Gly; replaces glutamic acid 46 with glycine.
Molecular consequence: missense variant.
Genome position (GRCh38, 1-based): chr12:12,717,976, A>G. VCF-style: chr12-12717976-A-G. GRCh37 (hg19) VCF-style: chr12-12870910-A-G.
Other names: short protein forms E46G.
Identifiers: ClinVar variation 819043 (VCV000819043.4), dbSNP rs1592280829, ClinGen allele CA383968901.

ClinVar aggregate classification (germline): Uncertain significance (1 of 4 stars; one submission).

Conditions:
Hereditary cancer-predisposing syndrome. Also called: Tumor predisposition; Hereditary neoplastic syndrome; Neoplastic Syndromes, Hereditary; Hereditary Cancer Syndrome. Identifiers: Orphanet 140162, MedGen C0027672, MeSH D009386, MONDO:0015356.

Submission:

Ambry Genetics
Classification: Uncertain significance for Hereditary cancer-predisposing syndrome. Last evaluated: 2019-06-06. Review status: criteria provided, single submitter. Criteria: Ambry Variant Classification Scheme 2023. Collection method: clinical testing. Allele origin: germline.
Comment: The p.E46G variant (also known as c.137A>G), located in coding exon 1 of the CDKN1B gene, results from an A to G substitution at nucleotide position 137. The glutamic acid at codon 46 is replaced by glycine, an amino acid with similar properties. This amino acid position is not well conserved in available vertebrate species. In addition, this alteration is predicted to be tolerated by in silico analysis. Since supporting evidence is limited at this time, the clinical significance of this alteration remains unclear.